The following is an entry in ClinVar:

NM_000038.6(APC):c.574G>A (p.Glu192Lys)

Gene: APC (APC regulator of Wnt signaling pathway; plus strand). Cytogenetic location: 5q22.2.
Variant type: single nucleotide variant.
Coding change: c.574G>A on transcript NM_000038.6 (MANE Select); coding-DNA position 574, G replaced by A.
Protein change: p.Glu192Lys; replaces glutamic acid 192 with lysine.
Molecular consequence: missense variant. On other transcripts: 5 prime UTR variant (1).
Genome position (GRCh38, 1-based): chr5:112,780,832, G>A. VCF-style: chr5-112780832-G-A. GRCh37 (hg19) VCF-style: chr5-112116529-G-A.
Other names: c.574G>A, p.Glu192Lys (NM_001127510.3, NM_001354895.2, NM_001354896.2 and 16 more transcripts); c.604G>A, p.Glu202Lys (NM_001127511.3, NM_001354897.2, NM_001354902.2 and 1 more transcripts); c.499G>A, p.Glu167Lys (NM_001354898.2, NM_001354904.2, NM_001407451.1); c.397G>A, p.Glu133Lys (NM_001354900.2, NM_001354901.2, NM_001354905.2 and 1 more transcripts); c.-462G>A (NM_001354906.2, NM_001407470.1, NM_001407471.1 and 1 more transcripts); short protein forms E133K, E192K, E202K, E167K.
Identifiers: ClinVar variation 2110667 (VCV002110667.4), dbSNP rs757159551, ClinGen allele CA042847.

ClinVar aggregate classification (germline): Uncertain significance (1 of 4 stars; one submission).

Conditions:
Familial adenomatous polyposis 1 (FAP1). Also called: POLYPOSIS, ADENOMATOUS INTESTINAL; FAMILIAL ADENOMATOUS POLYPOSIS 1, ATTENUATED. Identifiers: MedGen C2713442, MONDO:0021056, OMIM 175100. Disease mechanism: loss of function.

Allele frequency attached by ClinVar (database versions not stated): gnomAD exomes below 0.00001; ExAC 0.00001.
gnomAD v4.1: 1 of 1,613,494 alleles (0.000062%); highest among the groups gnomAD compares: Non-Finnish European, 0.000085%; no homozygotes.

Submission:

Labcorp Genetics (formerly Invitae), Labcorp
Classification: Uncertain significance for Familial adenomatous polyposis 1. Last evaluated: 2022-09-21. Review status: criteria provided, single submitter. Criteria: Invitae Variant Classification Sherloc (09022015). Collection method: clinical testing. Allele origin: germline.
Comment: In summary, the available evidence is currently insufficient to determine the role of this variant in disease. Therefore, it has been classified as a Variant of Uncertain Significance. Advanced modeling of protein sequence and biophysical properties (such as structural, functional, and spatial information, amino acid conservation, physicochemical variation, residue mobility, and thermodynamic stability) performed at Invitae indicates that this missense variant is not expected to disrupt APC protein function. This variant has not been reported in the literature in individuals affected with APC-related conditions. This variant is present in population databases (rs757159551, gnomAD 0.0009%). This sequence change replaces glutamic acid, which is acidic and polar, with lysine, which is basic and polar, at codon 192 of the APC protein (p.Glu192Lys).